The following is an entry in ClinVar:

NM_031157.4(HNRNPA1):c.696TGG[3] (p.Gly236del)

Gene: HNRNPA1 (heterogeneous nuclear ribonucleoprotein A1; plus strand). Cytogenetic location: 12q13.13.
Variant type: Microsatellite.
Coding change: c.696TGG[3] on transcript NM_031157.4 (MANE Select); three copies in a row of the 3-base unit TGG starting at c.696; the reference has four copies in a row; one copy, 3 bases deleted; also written c.705_707del.
Protein change: p.Gly236del; deletes glycine 236.
Molecular consequence: inframe deletion. On other transcripts: non-coding transcript variant (1).
Genome position (GRCh38, 1-based): chr12:54,282,828-54,282,830, TGG deleted; deleting any 3 consecutive bases within chr12:54,282,818-54,282,830 gives the same sequence; the position shown is the placement nearest the transcript's 3' end. VCF-style (leftmost placement, unchanged base first): chr12-54282817-CGTG-C. GRCh37 (hg19) VCF-style: chr12-54676601-CGTG-C.
Other names: c.705_707delTGG (NM_031157.3); c.705_707del (NM_031157.4); c.696TGG[3], p.Gly236del (NM_002136.4); short protein forms G236del.
Identifiers: ClinVar variation 2689218 (VCV002689218.3), dbSNP rs954853403, ClinGen allele CA237449220.

ClinVar aggregate classification (germline): Uncertain significance. Review status: criteria provided, single submitter (1 of 4 stars). 2 submissions from 2 submitters: Uncertain significance (1). 1 of the submissions does not count toward it. Last evaluated 2023-06-27.

Conditions:
HNRNPA1-related disorder. Also called: HNRNPA1-related condition.

Submissions (2):

Revvity Omics, Revvity
Classification: Uncertain significance. Last evaluated: 2023-06-27. Review status: criteria provided, single submitter. Criteria: ACMG Guidelines, 2015. Collection method: clinical testing. Allele origin: germline.

PreventionGenetics, part of Exact Sciences
Classification: Uncertain significance for HNRNPA1-related condition. Last evaluated: 2024-05-02. Review status: no assertion criteria provided. Collection method: clinical testing. Allele origin: germline. Not counted in ClinVar's aggregate classification.
Comment: The HNRNPA1 c.705_707delTGG variant is predicted to result in an in-frame deletion (p.Gly236del). To our knowledge, this variant has not been reported in the literature. This variant is reported in 0.015% of alleles in individuals of East Asian descent in gnomAD. At this time, the clinical significance of this variant is uncertain due to the absence of conclusive functional and genetic evidence.